The following is an entry in ClinVar:

ClinVar aggregate classification (germline): Uncertain significance (1 of 4 stars; one submission).

Conditions:
Loeys-Dietz syndrome 2 (LDS2). Also called: Marfan syndrome, type 2 (formerly); Marfan Syndrome type 2; Marfan like connective tissue disorder; MFS 2; TGFBR2-Related Loeys-Dietz Syndrome; AORTIC ANEURYSM, FAMILIAL THORACIC 3. Identifiers: Orphanet 284973, Orphanet 558, MedGen C2674574, MONDO:0012427, OMIM 610168.

gnomAD v4.1: 1 of 1,608,770 alleles (0.000062%); highest among the groups gnomAD compares: Non-Finnish European, 0.000085%; no homozygotes.

Submission:

Labcorp Genetics (formerly Invitae), Labcorp
Classification: Uncertain significance for Loeys-Dietz syndrome 2. Last evaluated: 2024-12-09. Review status: criteria provided, single submitter. Criteria: Invitae Variant Classification Sherloc (09022015). Collection method: clinical testing. Allele origin: germline.
Comment: This sequence change replaces alanine, which is neutral and non-polar, with threonine, which is neutral and polar, at codon 579 of the TMPO protein (p.Ala579Thr). This variant is not present in population databases (gnomAD no frequency). This variant has not been reported in the literature in individuals affected with TMPO-related conditions. Invitae Evidence Modeling of protein sequence and biophysical properties (such as structural, functional, and spatial information, amino acid conservation, physicochemical variation, residue mobility, and thermodynamic stability) indicates that this missense variant is not expected to disrupt TMPO protein function with a negative predictive value of 80%. In summary, the available evidence is currently insufficient to determine the role of this variant in disease. Therefore, it has been classified as a Variant of Uncertain Significance.

NM_001032283.3(TMPO):c.565+2154G>A

Gene: TMPO (thymopoietin; plus strand). Cytogenetic location: 12q23.1.
Variant type: single nucleotide variant.
Coding change: c.565+2154G>A on transcript NM_001032283.3 (MANE Select); 2154 bases into the intron after coding-DNA position 565, G replaced by A.
Molecular consequence: intron variant. On other transcripts: missense variant (1).
Genome position (GRCh38, 1-based): chr12:98,533,992, G>A. VCF-style: chr12-98533992-G-A. GRCh37 (hg19) VCF-style: chr12-98927770-G-A.
Other names: c.1735G>A, p.Ala579Thr (NM_003276.2); c.565+2154G>A (NM_001307975.2, NM_001032284.3); short protein forms A579T.
Identifiers: ClinVar variation 3728030 (VCV003728030.2).